The following is an entry in ClinVar:

NM_001003800.2(BICD2):c.2017A>G (p.Met673Val)

Gene: BICD2 (BICD cargo adaptor 2; minus strand). Cytogenetic location: 9q22.31.
Variant type: single nucleotide variant.
Coding change: c.2017A>G on transcript NM_001003800.2 (MANE Select); coding-DNA position 2017, A replaced by G.
Protein change: p.Met673Val; replaces methionine 673 with valine.
Molecular consequence: missense variant.
Genome position (GRCh38, 1-based): chr9:92,718,628, T>C on the plus strand (A>G on the coding strand, the complement: BICD2 is on the minus strand). VCF-style: chr9-92718628-T-C. GRCh37 (hg19) VCF-style: chr9-95480910-T-C.
Other names: c.2017A>G, p.Met673Val (NM_015250.4); short protein forms M673V.
Identifiers: ClinVar variation 2789797 (VCV002789797.3), dbSNP rs2490442903, ClinGen allele CA374034330.

ClinVar aggregate classification (germline): Uncertain significance (1 of 4 stars; one submission).

Conditions:
Autosomal dominant childhood-onset proximal spinal muscular atrophy with contractures (SMALED2A). Also called: Spinal muscular atrophy, lower extremity-predominant, 2A, autosomal dominant; SPINAL MUSCULAR ATROPHY, LOWER EXTREMITY-PREDOMINANT, 2A, CHILDHOOD ONSET, AUTOSOMAL DOMINANT. Identifiers: Orphanet 363447, Orphanet 363454, MedGen C4747715, MONDO:0014121, OMIM 615290.

Submission:

Labcorp Genetics (formerly Invitae), Labcorp
Classification: Uncertain significance for Autosomal dominant childhood-onset proximal spinal muscular atrophy with contractures. Last evaluated: 2023-12-28. Review status: criteria provided, single submitter. Criteria: Invitae Variant Classification Sherloc (09022015). Collection method: clinical testing. Allele origin: germline.
Comment: This sequence change replaces methionine, which is neutral and non-polar, with valine, which is neutral and non-polar, at codon 673 of the BICD2 protein (p.Met673Val). This variant is not present in population databases (gnomAD no frequency). This variant has not been reported in the literature in individuals affected with BICD2-related conditions. Advanced modeling of protein sequence and biophysical properties (such as structural, functional, and spatial information, amino acid conservation, physicochemical variation, residue mobility, and thermodynamic stability) performed at Invitae indicates that this missense variant is not expected to disrupt BICD2 protein function with a negative predictive value of 80%. In summary, the available evidence is currently insufficient to determine the role of this variant in disease. Therefore, it has been classified as a Variant of Uncertain Significance.